The following is an entry in ClinVar:

ClinVar aggregate classification (germline): Conflicting classifications of pathogenicity. Review status: criteria provided, conflicting classifications (1 of 4 stars). 6 submissions from 6 submitters: Uncertain significance (3); Benign (1); Likely benign (2). Last evaluated 2026-01-18.

Conditions:
Inborn genetic diseases. Identifiers: MedGen C0950123, MeSH D030342.
Usher syndrome type 1 (USH1). Also called: RETINITIS PIGMENTOSA AND CONGENITAL DEAFNESS. Identifiers: Orphanet 231169, Orphanet 886, MedGen C1568247, MONDO:0010168, OMIM 276900.

Allele frequency attached by ClinVar (database versions not stated): gnomAD exomes 0.00011 and 0.00023; ESP Exome Variant Server 0.00015; TOPMed 0.00015; gnomAD 0.00016; ExAC 0.00022.
gnomAD v4.1: 188 of 1,613,954 alleles (0.012%); highest among the groups gnomAD compares: Non-Finnish European, 0.0042%; 1 homozygote.

Submissions (6):

Labcorp Genetics (formerly Invitae), Labcorp
Classification: Likely benign. Last evaluated: 2026-01-18. Review status: criteria provided, single submitter. Criteria: Invitae Variant Classification Sherloc (09022015). Collection method: clinical testing. Allele origin: germline.

Blueprint Genetics
Classification: Benign. Last evaluated: 2024-07-16. Review status: criteria provided, single submitter. Criteria: ACMG Guidelines, 2015. Collection method: clinical testing. Allele origin: germline.

GeneDx
Classification: Uncertain significance. Last evaluated: 2023-11-15. Review status: criteria provided, single submitter. Criteria: GeneDx Variant Classification Process June 2021. Collection method: clinical testing. Allele origin: germline. Affected: yes.
Comment: In silico analysis supports that this missense variant has a deleterious effect on protein structure/function; Has not been previously published as pathogenic or benign to our knowledge; This variant is associated with the following publications: (PMID: 25203624)

Ambry Genetics
Classification: Uncertain significance for Inborn genetic diseases. Last evaluated: 2022-05-27. Review status: criteria provided, single submitter. Criteria: Ambry Variant Classification Scheme 2023. Collection method: clinical testing. Allele origin: germline.

Illumina Laboratory Services, Illumina
Classification: Uncertain significance for Usher syndrome type 1. Last evaluated: 2018-01-13. Review status: criteria provided, single submitter. Criteria: ICSL Variant Classification Criteria 13 December 2019. Collection method: clinical testing. Allele origin: germline.

Laboratory for Molecular Medicine, Mass General Brigham Personalized Medicine
Classification: Likely benign. Last evaluated: 2012-04-10. Review status: criteria provided, single submitter. Criteria: LMM Criteria. Collection method: clinical testing. Allele origin: germline. Observed: 4 variant alleles.
Comment: Glu1368Gly in exon 30 of PCDH15: This variant has been identified in 0.01% (1/70 20) of European American chromosomes in a broad population by the NHLBI Exome se quencing project (dbSNP rs111033449). It is n ot expected to have clinical significance because it did not segregate with hear ing loss in one family tested by our lab and the amino acid residue is not conse rved across mammalian species.

NM_001384140.1(PCDH15):c.4103A>G (p.Glu1368Gly)

Gene: PCDH15 (protocadherin related 15; minus strand). Cytogenetic location: 10q21.1.
Variant type: single nucleotide variant.
Coding change: c.4103A>G on transcript NM_001384140.1 (MANE Select); coding-DNA position 4103, A replaced by G.
Protein change: p.Glu1368Gly; replaces glutamic acid 1368 with glycine.
Molecular consequence: missense variant.
Genome position (GRCh38, 1-based): chr10:53,831,414, T>C on the plus strand (A>G on the coding strand, the complement: PCDH15 is on the minus strand). VCF-style: chr10-53831414-T-C. GRCh37 (hg19) VCF-style: chr10-55591174-T-C.
Other names: c.4139A>G, p.Glu1380Gly (NM_001142769.4); c.4103A>G, p.Glu1368Gly (NM_001142770.3, NM_001142772.2, NM_001354420.2 and 4 more transcripts); c.4118A>G, p.Glu1373Gly (NM_001142771.2, NM_001142763.2); c.4037A>G, p.Glu1346Gly (NM_001142773.2, NM_001354404.2, NM_001142768.2); c.4124A>G, p.Glu1375Gly (NM_001354411.2); c.3890A>G, p.Glu1297Gly (NM_001142765.2); c.3992A>G, p.Glu1331Gly (NM_001142767.2); short protein forms E1368G, E1375G, E1331G, E1373G, E1297G, E1346G, E1380G.
Identifiers: ClinVar variation 46479 (VCV000046479.23), dbSNP rs111033449, ClinGen allele CA138432.
Genomic context (GRCh38, chr10:53,831,414, plus strand): 5'-CAGCAGAGGATGATGATGAAGGCCAGAGCCAACAAGGCCCCTTCTGTGTATCCTAGACTT[T>C]CTCCTCTCTTTTTAATGCTGGTCACTGCCTCTGGAGTCCGGATCTCCAGAATGCGTCCTC-3'
Protein context (NP_001371069.1, residues 1358-1378): EAVTSIKKRG[Glu1368Gly]SLGYTEGALL